The following is an entry in ClinVar:

ClinVar aggregate classification (germline): Conflicting classifications of pathogenicity. Review status: criteria provided, conflicting classifications (1 of 4 stars). 5 submissions from 5 submitters: Uncertain significance (3); Likely benign (1). 1 of the submissions does not count toward it. Last evaluated 2026-08-12.

Conditions:
Inborn genetic diseases. Identifiers: MedGen C0950123, MeSH D030342.
Retinitis pigmentosa 26 (RP26). Identifiers: Orphanet 791, MedGen C1842127, MONDO:0012024, OMIM 608380.
CERKL-related disorder. Also called: CERKL-related condition.

Allele frequency attached by ClinVar (database versions not stated): gnomAD exomes 0.00002 and 0.00003; gnomAD 0.00003 and 0.00004; TOPMed 0.00006.
gnomAD v4.1: 32 of 1,599,206 alleles (0.002%); highest among the groups gnomAD compares: Admixed American, 0.047%; no homozygotes.

Submissions (5):

PreventionGenetics, part of Exact Sciences
Classification: Uncertain significance for CERKL-related condition. Last evaluated: 2026-08-12. Review status: criteria provided, single submitter. Criteria: ACMG Guidelines, 2015. Collection method: clinical testing. Allele origin: germline.
Comment: The CERKL c.250T>C variant is predicted to result in the amino acid substitution p.Tyr84His. To our knowledge, this variant has not been reported in the literature. This variant is reported in 0.026% of alleles in individuals of Latino descent in gnomAD. At this time, the clinical significance of this variant is uncertain due to the absence of conclusive functional and genetic evidence.

Labcorp Genetics (formerly Invitae), Labcorp
Classification: Likely benign. Last evaluated: 2025-12-23. Review status: criteria provided, single submitter. Criteria: Invitae Variant Classification Sherloc (09022015). Collection method: clinical testing. Allele origin: germline.

Ambry Genetics
Classification: Uncertain significance for Inborn genetic diseases. Last evaluated: 2025-04-10. Review status: criteria provided, single submitter. Criteria: Ambry Variant Classification Scheme 2023. Collection method: clinical testing. Allele origin: germline.

Blueprint Genetics
Classification: Uncertain significance. Last evaluated: 2023-06-05. Review status: criteria provided, single submitter. Criteria: ACMG Guidelines, 2015. Collection method: clinical testing. Allele origin: germline.

Natera, Inc.
Classification: Uncertain significance for Retinitis Pigmentosa 26. Last evaluated: 2020-01-17. Review status: no assertion criteria provided. Collection method: clinical testing. Allele origin: germline. Not counted in ClinVar's aggregate classification.

NM_201548.5(CERKL):c.250T>C (p.Tyr84His)

Gene: CERKL (CERK like autophagy regulator; minus strand). Cytogenetic location: 2q31.3.
Variant type: single nucleotide variant.
Coding change: c.250T>C on transcript NM_201548.5 (MANE Select); coding-DNA position 250, T replaced by C.
Protein change: p.Tyr84His; replaces tyrosine 84 with histidine.
Molecular consequence: missense variant. On other transcripts: non-coding transcript variant (2).
Genome position (GRCh38, 1-based): chr2:181,604,068, A>G on the plus strand (T>C on the coding strand, the complement: CERKL is on the minus strand). VCF-style: chr2-181604068-A-G. GRCh37 (hg19) VCF-style: chr2-182468795-A-G.
Other names: c.250T>C, p.Tyr84His (NM_001030311.3, NM_001030312.3, NM_001030313.3 and 1 more transcripts); short protein forms Y84H.
Identifiers: ClinVar variation 969876 (VCV000969876.10), dbSNP rs1343928865, ClinGen allele CA349731108.